The following is an entry in ClinVar:

ClinVar aggregate classification (germline): Uncertain significance (1 of 4 stars; one submission).

Conditions:
Joubert syndrome 15 (JBTS15). Identifiers: Orphanet 475, MedGen C3280897, MONDO:0013763, OMIM 614464.

Allele frequency attached by ClinVar (database versions not stated): ExAC 0.00001; TOPMed 0.00001; ESP Exome Variant Server 0.00008.

Submission:

Labcorp Genetics (formerly Invitae), Labcorp
Classification: Uncertain significance for Joubert syndrome 15. Last evaluated: 2022-01-07. Review status: criteria provided, single submitter. Criteria: Invitae Variant Classification Sherloc (09022015). Collection method: clinical testing. Allele origin: germline.
Comment: In summary, the available evidence is currently insufficient to determine the role of this variant in disease. Therefore, it has been classified as a Variant of Uncertain Significance. Algorithms developed to predict the effect of missense changes on protein structure and function are either unavailable or do not agree on the potential impact of this missense change (SIFT: "Deleterious"; PolyPhen-2: "Benign"; Align-GVGD: "Class C0"). This variant has not been reported in the literature in individuals affected with CEP41-related conditions. This variant is not present in population databases (gnomAD no frequency). This sequence change replaces aspartic acid, which is acidic and polar, with histidine, which is basic and polar, at codon 100 of the CEP41 protein (p.Asp100His).

NM_018718.3(CEP41):c.298G>C (p.Asp100His)

Gene: CEP41 (centrosomal protein 41; minus strand). Cytogenetic location: 7q32.2.
Variant type: single nucleotide variant.
Coding change: c.298G>C on transcript NM_018718.3 (MANE Select); coding-DNA position 298, G replaced by C.
Protein change: p.Asp100His; replaces aspartic acid 100 with histidine.
Molecular consequence: missense variant. On other transcripts: non-coding transcript variant (1).
Genome position (GRCh38, 1-based): chr7:130,404,688, C>G on the plus strand (G>C on the coding strand, the complement: CEP41 is on the minus strand). VCF-style: chr7-130404688-C-G. GRCh37 (hg19) VCF-style: chr7-130044529-C-G.
Other names: c.298G>C, p.Asp100His (NM_001257158.2); c.250G>C, p.Asp84His (NM_001257159.2); short protein forms D100H, D84H.
Identifiers: ClinVar variation 2077332 (VCV002077332.2), dbSNP rs150251054, ClinGen allele CA4485609.